The following is an entry in ClinVar:

ClinVar aggregate classification (germline): Uncertain significance (1 of 4 stars; one submission).

Conditions:
Immunodeficiency. Identifiers: MedGen C0021051, MONDO:0021094, HP:0002721.

Submission:

Labcorp Genetics (formerly Invitae), Labcorp
Classification: Uncertain significance for Immunodeficiency. Last evaluated: 2022-09-09. Review status: criteria provided, single submitter. Criteria: Invitae Variant Classification Sherloc (09022015). Collection method: clinical testing. Allele origin: germline.
Comment: This sequence change replaces glutamine, which is neutral and polar, with glutamic acid, which is acidic and polar, at codon 1381 of the NFAT5 protein (p.Gln1381Glu). This variant is not present in population databases (gnomAD no frequency). This variant has not been reported in the literature in individuals affected with NFAT5-related conditions. Algorithms developed to predict the effect of missense changes on protein structure and function are either unavailable or do not agree on the potential impact of this missense change (SIFT: "Tolerated"; PolyPhen-2: "Possibly Damaging"; Align-GVGD: "Class C0"). In summary, the available evidence is currently insufficient to determine the role of this variant in disease. Therefore, it has been classified as a Variant of Uncertain Significance.

NM_138713.4(NFAT5):c.4423C>G (p.Gln1475Glu)

Gene: NFAT5 (nuclear factor of activated T cells 5; plus strand). Cytogenetic location: 16q22.1.
Variant type: single nucleotide variant.
Coding change: c.4423C>G on transcript NM_138713.4 (MANE Select); coding-DNA position 4423, C replaced by G.
Protein change: p.Gln1475Glu; replaces glutamine 1475 with glutamic acid.
Molecular consequence: missense variant.
Genome position (GRCh38, 1-based): chr16:69,695,144, C>G. VCF-style: chr16-69695144-C-G. GRCh37 (hg19) VCF-style: chr16-69729047-C-G.
Other names: c.4420C>G, p.Gln1474Glu (NM_001113178.3); c.3748C>G, p.Gln1250Glu (NM_001367709.1); c.4369C>G, p.Gln1457Glu (NM_006599.4); c.4141C>G, p.Gln1381Glu (NM_138714.4, NM_173214.3, NM_173215.3); short protein forms Q1250E, Q1381E, Q1457E, Q1474E, Q1475E.
Identifiers: ClinVar variation 1719124 (VCV001719124.5), dbSNP rs2544262651, ClinGen allele CA396515782.